The following is an entry in ClinVar:

NM_052859.4(RFT1):c.1186A>G (p.Met396Val)

Gene: RFT1 (RFT1 glycolipid translocator homolog; minus strand). Cytogenetic location: 3p21.1.
Variant type: single nucleotide variant.
Coding change: c.1186A>G on transcript NM_052859.4 (MANE Select); coding-DNA position 1186, A replaced by G.
Protein change: p.Met396Val; replaces methionine 396 with valine.
Molecular consequence: missense variant.
Genome position (GRCh38, 1-based): chr3:53,099,403, T>C on the plus strand (A>G on the coding strand, the complement: RFT1 is on the minus strand). VCF-style: chr3-53099403-T-C. GRCh37 (hg19) VCF-style: chr3-53133419-T-C.
Other names: short protein forms M396V.
Identifiers: ClinVar variation 1356472 (VCV001356472.8), dbSNP rs1701245763, ClinGen allele CA353227983.

ClinVar aggregate classification (germline): Uncertain significance (1 of 4 stars; one submission).

Conditions:
RFT1-congenital disorder of glycosylation (CDG1N). Also called: CDG In; Congenital disorder of glycosylation type In; RFT1-CDG. Identifiers: Orphanet 244310, MedGen C2677590, MONDO:0012783, OMIM 612015.

Allele frequency attached by ClinVar (database versions not stated): gnomAD exomes below 0.00001; TOPMed 0.00001.
gnomAD v4.1: 4 of 1,614,082 alleles (0.00025%); highest among the groups gnomAD compares: Non-Finnish European, 0.000085%; no homozygotes.

Submission:

Labcorp Genetics (formerly Invitae), Labcorp
Classification: Uncertain significance for RFT1-congenital disorder of glycosylation. Last evaluated: 2022-09-13. Review status: criteria provided, single submitter. Criteria: Invitae Variant Classification Sherloc (09022015). Collection method: clinical testing. Allele origin: germline.
Comment: In summary, the available evidence is currently insufficient to determine the role of this variant in disease. Therefore, it has been classified as a Variant of Uncertain Significance. Algorithms developed to predict the effect of sequence changes on RNA splicing suggest that this variant may create or strengthen a splice site. Advanced modeling of protein sequence and biophysical properties (such as structural, functional, and spatial information, amino acid conservation, physicochemical variation, residue mobility, and thermodynamic stability) performed at Invitae indicates that this missense variant is expected to disrupt RFT1 protein function. ClinVar contains an entry for this variant (Variation ID: 1356472). This variant has not been reported in the literature in individuals affected with RFT1-related conditions. This variant is not present in population databases (gnomAD no frequency). This sequence change replaces methionine, which is neutral and non-polar, with valine, which is neutral and non-polar, at codon 396 of the RFT1 protein (p.Met396Val).